The following is an entry in ClinVar:

ClinVar aggregate classification (germline): Uncertain significance (1 of 4 stars; one submission).

Conditions:
Cardiovascular phenotype. Identifiers: MedGen CN230736.

Submission:

Ambry Genetics
Classification: Uncertain significance for Cardiovascular phenotype. Last evaluated: 2025-10-29. Review status: criteria provided, single submitter. Criteria: Ambry Variant Classification Scheme 2023. Collection method: clinical testing. Allele origin: germline.
Comment: The p.V435L variant (also known as c.1303G>C), located in coding exon 15 of the CACNA2D1 gene, results from a G to C substitution at nucleotide position 1303. The valine at codon 435 is replaced by leucine, an amino acid with highly similar properties. This amino acid position is conserved. In addition, this alteration is predicted to be tolerated by in silico analysis. Based on the available evidence, the clinical significance of this variant remains unclear.

NM_000722.4(CACNA2D1):c.1303G>C (p.Val435Leu)

Genes: CACNA2D1 (calcium voltage-gated channel auxiliary subunit alpha2delta 1; minus strand), CACNA2D1-AS1 (CACNA2D1 antisense RNA 1; plus strand). Cytogenetic location: 7q21.11.
Variant type: single nucleotide variant.
Coding change: c.1303G>C on transcript NM_000722.4 (MANE Select); coding-DNA position 1303, G replaced by C.
Protein change: p.Val435Leu; replaces valine 435 with leucine.
Molecular consequence: missense variant.
Genome position (GRCh38, 1-based): chr7:82,012,213, C>G on the plus strand (G>C on the coding strand, the complement: CACNA2D1 is on the minus strand). VCF-style: chr7-82012213-C-G. GRCh37 (hg19) VCF-style: chr7-81641529-C-G.
Other names: c.1303G>C, p.Val435Leu (NM_001366867.1); short protein forms V435L.
Identifiers: ClinVar variation 4613775 (VCV004613775.1).